The following is an entry in ClinVar:

ClinVar aggregate classification (germline): Uncertain significance. Review status: criteria provided, multiple submitters, no conflicts (2 of 4 stars). 2 submissions from 2 submitters: Uncertain significance (2). Last evaluated 2022-02-05.

Conditions:
Saldino-Mainzer syndrome (SRTD9). Also called: SHORT-RIB THORACIC DYSPLASIA 9 WITHOUT POLYDACTYLY; Renal dysplasia, retinal pigmentary dystrophy, cerebellar ataxia and skeletal dysplasia; CONORENAL SYNDROME; short-rib thoracic dysplasia 9 with or without polydactyly. Identifiers: Orphanet 140969, MedGen C1849437, MONDO:0009964, OMIM 266920.

Allele frequency attached by ClinVar (database versions not stated): TOPMed below 0.00001; ESP Exome Variant Server 0.00008.

Submissions (2):

Labcorp Genetics (formerly Invitae), Labcorp
Classification: Uncertain significance for Saldino-Mainzer syndrome. Last evaluated: 2022-02-05. Review status: criteria provided, single submitter. Criteria: Invitae Variant Classification Sherloc (09022015). Collection method: clinical testing. Allele origin: germline.
Comment: This sequence change replaces histidine, which is basic and polar, with arginine, which is basic and polar, at codon 1206 of the IFT140 protein (p.His1206Arg). This variant is not present in population databases (gnomAD no frequency). This variant has not been reported in the literature in individuals affected with IFT140-related conditions. Algorithms developed to predict the effect of missense changes on protein structure and function are either unavailable or do not agree on the potential impact of this missense change (SIFT: "Deleterious"; PolyPhen-2: "Probably Damaging"; Align-GVGD: "Class C0"). In summary, the available evidence is currently insufficient to determine the role of this variant in disease. Therefore, it has been classified as a Variant of Uncertain Significance.

Blueprint Genetics
Classification: Uncertain significance. Last evaluated: 2021-12-09. Review status: criteria provided, single submitter. Criteria: ACMG Guidelines, 2015. Collection method: clinical testing. Allele origin: germline.

NM_014714.4(IFT140):c.3617A>G (p.His1206Arg)

Gene: IFT140 (intraflagellar transport 140; minus strand). Cytogenetic location: 16p13.3.
Variant type: single nucleotide variant.
Coding change: c.3617A>G on transcript NM_014714.4 (MANE Select); coding-DNA position 3617, A replaced by G.
Protein change: p.His1206Arg; replaces histidine 1206 with arginine.
Molecular consequence: missense variant.
Genome position (GRCh38, 1-based): chr16:1,520,645, T>C on the plus strand (A>G on the coding strand, the complement: IFT140 is on the minus strand). VCF-style: chr16-1520645-T-C. GRCh37 (hg19) VCF-style: chr16-1570646-T-C.
Other names: short protein forms H1206R.
Identifiers: ClinVar variation 2151825 (VCV002151825.2), dbSNP rs375137439, ClinGen allele CA276675883.